The following is an entry in ClinVar:

ClinVar aggregate classification (germline): Pathogenic/Likely pathogenic. Review status: criteria provided, multiple submitters, no conflicts (2 of 4 stars). 3 submissions from 3 submitters: Pathogenic (1); Likely pathogenic (1). 1 of the submissions does not count toward it. Last evaluated 2025-12-29.

Conditions:
Cardiovascular phenotype. Identifiers: MedGen CN230736.
Familial long QT syndrome (RWS). Also called: Congenital long QT syndrome; Romano-Ward syndrome; VENTRICULAR FIBRILLATION WITH PROLONGED QT INTERVAL. Identifiers: Orphanet 768, MedGen C1141890, MONDO:0019171.
Long QT syndrome (LQTS). Identifiers: MedGen C0023976, MeSH D008133, MONDO:0002442. Disease mechanism: loss of function. Inheritance: Various modes of inheritance.

Submissions (3):

Ambry Genetics
Classification: Likely pathogenic for Cardiovascular phenotype. Last evaluated: 2025-12-29. Review status: criteria provided, single submitter. Criteria: Ambry Variant Classification Scheme 2023. Collection method: clinical testing. Allele origin: germline.
Comment: The p.S338F variant (also known as c.1013C>T), located in coding exon 7 of the KCNQ1 gene, results from a C to T substitution at nucleotide position 1013. The serine at codon 338 is replaced by phenylalanine, an amino acid with highly dissimilar properties. This variant was reported in individual(s) with features consistent with long QT syndrome (Hoosien M et al. Heart Rhythm, 2013 May;10:728-37; Hedley PL et al. Hum Mutat, 2009 Nov;30:1486-511; external communication; Ambry internal data). In an assay testing KCNQ1 function, this variant showed functionally abnormal results (Hoosien M et al. Heart Rhythm, 2013 May;10:728-37). This variant is considered to be rare based on population cohorts in the Genome Aggregation Database (gnomAD). This amino acid position is highly conserved in available vertebrate species. In addition, this alteration is predicted to be deleterious by in silico analysis. Based on the majority of available evidence to date, this variant is likely to be pathogenic.

Labcorp Genetics (formerly Invitae), Labcorp
Classification: Pathogenic for Long QT syndrome. Last evaluated: 2024-07-01. Review status: criteria provided, single submitter. Criteria: Invitae Variant Classification Sherloc (09022015). Collection method: clinical testing. Allele origin: germline.
Comment: This sequence change replaces serine, which is neutral and polar, with phenylalanine, which is neutral and non-polar, at codon 338 of the KCNQ1 protein (p.Ser338Phe). This variant is not present in population databases (gnomAD no frequency). This missense change has been observed in individuals with clinical features of long QT syndrome (PMID: 19862833, 23291057; Invitae). ClinVar contains an entry for this variant (Variation ID: 52928). Advanced modeling of protein sequence and biophysical properties (such as structural, functional, and spatial information, amino acid conservation, physicochemical variation, residue mobility, and thermodynamic stability) performed at Invitae indicates that this missense variant is expected to disrupt KCNQ1 protein function with a positive predictive value of 95%. Experimental studies have shown that this missense change affects KCNQ1 function (PMID: 23291057, 29167462). For these reasons, this variant has been classified as Pathogenic.

Cardiovascular Biomedical Research Unit, Royal Brompton & Harefield NHS Foundation Trust
No classification provided. Condition: Familial long QT syndrome. Review status: no classification provided. Collection method: literature only. Allele origin: germline. Not counted in ClinVar's aggregate classification.
Comment: This variant has been reported as associated with Long QT syndrome in the following publications (PMID:19862833). This is a literature report, and does not necessarily reflect the clinical interpretation of the Imperial College / Royal Brompton Cardiovascular Genetics laboratory.

Literature cited by the submitters: PubMed 19862833 (cited by 3 submitters); PubMed 23291057 (cited by Ambry Genetics and Labcorp Genetics (formerly Invitae), Labcorp); PubMed 29167462 (cited by Ambry Genetics and Labcorp Genetics (formerly Invitae), Labcorp); PubMed 22581653 (cited by Cardiovascular Biomedical Research Unit, Royal Brompton & Harefield NHS Foundation Trust).

NM_000218.3(KCNQ1):c.1013C>T (p.Ser338Phe)

Gene: KCNQ1 (potassium voltage-gated channel subfamily Q member 1; plus strand). Cytogenetic location: 11p15.5.
Variant type: single nucleotide variant.
Coding change: c.1013C>T on transcript NM_000218.3 (MANE Select); coding-DNA position 1013, C replaced by T.
Protein change: p.Ser338Phe; replaces serine 338 with phenylalanine.
Molecular consequence: missense variant.
Genome position (GRCh38, 1-based): chr11:2,583,526, C>T. VCF-style: chr11-2583526-C-T. GRCh37 (hg19) VCF-style: chr11-2604756-C-T.
Other names: c.1013C>T (LRG_287t1); c.1013C>T, p.Ser338Phe (NM_001406836.1); c.743C>T, p.Ser248Phe (NM_001406837.1); c.569C>T, p.Ser190Phe (NM_001406838.1); c.632C>T, p.Ser211Phe (NM_181798.2); short protein forms S338F, S211F, S248F, S190F.
Identifiers: ClinVar variation 52928 (VCV000052928.9), dbSNP rs199472758, ClinGen allele CA004825.